The following is an entry in ClinVar:

NM_001378120.1(MBD5):c.4597G>A (p.Gly1533Arg)

Gene: MBD5 (methyl-CpG binding domain protein 5; plus strand). Cytogenetic location: 2q23.1.
Variant type: single nucleotide variant.
Coding change: c.4597G>A on transcript NM_001378120.1 (MANE Select); coding-DNA position 4597, G replaced by A.
Protein change: p.Gly1533Arg; replaces glycine 1533 with arginine.
Molecular consequence: missense variant.
Genome position (GRCh38, 1-based): chr2:148,490,229, G>A. VCF-style: chr2-148490229-G-A. GRCh37 (hg19) VCF-style: chr2-149247798-G-A.
Other names: c.3898G>A, p.Gly1300Arg (NM_018328.5); short protein forms G1300R, G1533R.
Identifiers: ClinVar variation 502311 (VCV000502311.8), dbSNP rs747948310, ClinGen allele CA1900442.
Genomic context (GRCh38, chr2:148,490,229, plus strand): 5'-CTAGAGAACACTGTGGAAAGATGTGCACACATAAATGGGAATAGACCTCGACAGAGTCGG[G>A]GATTTGGAGAGCTGCTAAGCACTGCAAAGCAAGACCTGGTCCTAGAGGAGCAGTCTCCAA-3'
Protein context (NP_001365049.1, residues 1523-1543): INGNRPRQSR[Gly1533Arg]FGELLSTAKQ

ClinVar aggregate classification (germline): Uncertain significance. Review status: criteria provided, multiple submitters, no conflicts (2 of 4 stars). 2 submissions from 2 submitters: Uncertain significance (2). Last evaluated 2024-04-04.

Conditions:
Intellectual developmental disorder, autosomal dominant 1. Also called: MBD5 Haploinsufficiency; Intellectual disability, autosomal dominant 1. Identifiers: Orphanet 228402, MedGen C1969562, MONDO:0007974, OMIM 156200.

Allele frequency attached by ClinVar (database versions not stated): gnomAD exomes 0.00001 and 0.00002; ExAC 0.00002; gnomAD 0.00001.
gnomAD v4.1: 5 of 1,614,064 alleles (0.00031%); highest among the groups gnomAD compares: Admixed American, 0.0033%; no homozygotes.

Submissions (2):

Labcorp Genetics (formerly Invitae), Labcorp
Classification: Uncertain significance for Intellectual developmental disorder, autosomal dominant 1. Last evaluated: 2024-04-04. Review status: criteria provided, single submitter. Criteria: Invitae Variant Classification Sherloc (09022015). Collection method: clinical testing. Allele origin: germline.
Comment: This sequence change replaces glycine, which is neutral and non-polar, with arginine, which is basic and polar, at codon 1300 of the MBD5 protein (p.Gly1300Arg). This variant is present in population databases (rs747948310, gnomAD 0.01%). This variant has not been reported in the literature in individuals affected with MBD5-related conditions. ClinVar contains an entry for this variant (Variation ID: 502311). Experimental studies and prediction algorithms are not available or were not evaluated, and the functional significance of this variant is currently unknown. In summary, the available evidence is currently insufficient to determine the role of this variant in disease. Therefore, it has been classified as a Variant of Uncertain Significance.

Eurofins Ntd Llc (ga)
Classification: Uncertain significance. Last evaluated: 2017-05-31. Review status: criteria provided, single submitter. Criteria: EGL Classification Definitions 2015. Collection method: clinical testing. Allele origin: germline. Observed: 1 variant allele, 1 heterozygote.